The following is an entry in ClinVar:

NM_000465.4(BARD1):c.2001+3_2001+6del

Gene: BARD1 (BRCA1 associated RING domain 1; minus strand). Cytogenetic location: 2q35.
Variant type: Deletion.
Coding change: c.2001+3_2001+6del on transcript NM_000465.4 (MANE Select); bases 3 to 6 of the intron after coding-DNA position 2001, 4 bases deleted (ATTT; older notation c.2001+3_2001+6delATTT).
Molecular consequence: splice donor variant.
Genome position (GRCh38, 1-based): chr2:214,730,405-214,730,408, AAAT deleted on the plus strand (ATTT on the coding strand, the reverse complement: BARD1 is on the minus strand); deleting any 4 consecutive bases within chr2:214,730,405-214,730,409 gives the same sequence; the c. name uses the placement nearest the transcript's 3' end. VCF-style (leftmost placement, unchanged base first): chr2-214730404-AAAAT-A. GRCh37 (hg19) VCF-style: chr2-215595128-AAAAT-A.
Other names: c.2001+3_2001+6delATTT (NM_000465.3); c.591+3_591+6del (NM_001282548.2); c.1944+3_1944+6del (NM_001282543.2); c.648+3_648+6del (NM_001282545.2); c.462+3_462+6del (NM_001282549.2).
Identifiers: ClinVar variation 581641 (VCV000581641.7), dbSNP rs1559373773, ClinGen allele CA891842519.

ClinVar aggregate classification (germline): Uncertain significance (1 of 4 stars; one submission).

Conditions:
Familial cancer of breast. Also called: Hereditary breast cancer; hereditary breast carcinoma; BREAST CANCER, FAMILIAL. Identifiers: Orphanet 227535, MedGen C0346153, MONDO:0016419, OMIM 114480. Disease mechanism: loss of function.

Submission:

Labcorp Genetics (formerly Invitae), Labcorp
Classification: Uncertain significance for Familial cancer of breast. Last evaluated: 2018-05-19. Review status: criteria provided, single submitter. Criteria: Invitae Variant Classification Sherloc (09022015). Collection method: clinical testing. Allele origin: germline.
Comment: In summary, the available evidence is currently insufficient to determine the role of this variant in disease. Therefore, it has been classified as a Variant of Uncertain Significance. Nucleotide substitutions within the consensus splice site are a relatively common cause of aberrant splicing (PMID: 17576681, 9536098). Algorithms developed to predict the effect of sequence changes on RNA splicing suggest that this variant may disrupt the consensus splice site, but this prediction has not been confirmed by published transcriptional studies. This variant has not been reported in the literature in individuals with BARD1-related disease. This variant is not present in population databases (ExAC no frequency). This sequence change falls in intron 10 of the BARD1 gene. It does not directly change the encoded amino acid sequence of the BARD1 protein, but it affects a nucleotide within the consensus splice site of the intron.

Literature cited by the submitters: PubMed 17576681; PubMed 9536098.